The following is an entry in ClinVar:

NM_025150.5(TARS2):c.2030G>A (p.Ser677Asn)

Gene: TARS2 (threonyl-tRNA synthetase 2, mitochondrial; plus strand). Cytogenetic location: 1q21.2.
Variant type: single nucleotide variant.
Coding change: c.2030G>A on transcript NM_025150.5 (MANE Select); coding-DNA position 2030, G replaced by A.
Protein change: p.Ser677Asn; replaces serine 677 with asparagine.
Molecular consequence: missense variant. On other transcripts: non-coding transcript variant (2).
Genome position (GRCh38, 1-based): chr1:150,506,937, G>A. VCF-style: chr1-150506937-G-A. GRCh37 (hg19) VCF-style: chr1-150479413-G-A.
Other names: c.1784G>A, p.Ser595Asn (NM_001271895.2); c.1640G>A, p.Ser547Asn (NM_001271896.2); short protein forms S547N, S595N, S677N.
Identifiers: ClinVar variation 3007159 (VCV003007159.3), dbSNP rs1254468357, ClinGen allele CA342331199.

ClinVar aggregate classification (germline): Uncertain significance (1 of 4 stars; one submission).

Allele frequency attached by ClinVar (database versions not stated): gnomAD exomes below 0.00001; gnomAD 0.00001; TOPMed 0.00002.
gnomAD v4.1: 9 of 1,613,996 alleles (0.00056%); highest among the groups gnomAD compares: Non-Finnish European, 0.00068%; no homozygotes.

Submission:

Labcorp Genetics (formerly Invitae), Labcorp
Classification: Uncertain significance. Last evaluated: 2024-07-01. Review status: criteria provided, single submitter. Criteria: Invitae Variant Classification Sherloc (09022015). Collection method: clinical testing. Allele origin: germline.
Comment: This sequence change replaces serine, which is neutral and polar, with asparagine, which is neutral and polar, at codon 677 of the TARS2 protein (p.Ser677Asn). This variant is not present in population databases (gnomAD no frequency). This variant has not been reported in the literature in individuals affected with TARS2-related conditions. Advanced modeling of protein sequence and biophysical properties (such as structural, functional, and spatial information, amino acid conservation, physicochemical variation, residue mobility, and thermodynamic stability) performed at Invitae indicates that this missense variant is not expected to disrupt TARS2 protein function with a negative predictive value of 80%. In summary, the available evidence is currently insufficient to determine the role of this variant in disease. Therefore, it has been classified as a Variant of Uncertain Significance.